The following is an entry in ClinVar:

NM_000179.3(MSH6):c.2165C>G (p.Ser722Cys)

Gene: MSH6 (mutS homolog 6; plus strand). Cytogenetic location: 2p16.3.
Variant type: single nucleotide variant.
Coding change: c.2165C>G on transcript NM_000179.3 (MANE Select); coding-DNA position 2165, C replaced by G.
Protein change: p.Ser722Cys; replaces serine 722 with cysteine.
Molecular consequence: missense variant.
Genome position (GRCh38, 1-based): chr2:47,800,148, C>G. VCF-style: chr2-47800148-C-G. GRCh37 (hg19) VCF-style: chr2-48027287-C-G.
Other names: c.1775C>G, p.Ser592Cys (NM_001281492.2); c.1259C>G, p.Ser420Cys (NM_001281493.2, NM_001281494.2); short protein forms S722C, S592C, S420C.
Identifiers: ClinVar variation 485882 (VCV000485882.15), dbSNP rs776198410, ClinGen allele CA346751157.

ClinVar aggregate classification (germline): Conflicting classifications of pathogenicity. Review status: criteria provided, conflicting classifications (1 of 4 stars). 2 submissions from 2 submitters: Uncertain significance (1); Benign (1). Last evaluated 2025-01-22.

Conditions:
Hereditary nonpolyposis colorectal neoplasms. Identifiers: MedGen C0009405, MeSH D003123.
Hereditary cancer-predisposing syndrome. Also called: Tumor predisposition; Hereditary Cancer Syndrome; Hereditary neoplastic syndrome; Neoplastic Syndromes, Hereditary. Identifiers: Orphanet 140162, MedGen C0027672, MeSH D009386, MONDO:0015356.

Allele frequency attached by ClinVar (database versions not stated): gnomAD 0.00001.
gnomAD v4.1: 5 of 1,614,056 alleles (0.00031%); highest among the groups gnomAD compares: South Asian, 0.0044%; no homozygotes.

Submissions (2):

Labcorp Genetics (formerly Invitae), Labcorp
Classification: Benign for Hereditary nonpolyposis colorectal neoplasms. Last evaluated: 2025-01-22. Review status: criteria provided, single submitter. Criteria: Invitae Variant Classification Sherloc (09022015). Collection method: clinical testing. Allele origin: germline.

Ambry Genetics
Classification: Uncertain significance for Hereditary cancer-predisposing syndrome. Last evaluated: 2024-08-30. Review status: criteria provided, single submitter. Criteria: Ambry Variant Classification Scheme 2023. Collection method: clinical testing. Allele origin: germline.
Comment: The p.S722C variant (also known as c.2165C>G), located in coding exon 4 of the MSH6 gene, results from a C to G substitution at nucleotide position 2165. The serine at codon 722 is replaced by cysteine, an amino acid with dissimilar properties. This amino acid position is poorly conserved in available vertebrate species. In addition, the in silico prediction for this alteration is inconclusive. Based on the available evidence, the clinical significance of this variant remains unclear.